The following is an entry in ClinVar:

NM_001103.4(ACTN2):c.2146A>G (p.Thr716Ala)

Gene: ACTN2 (actinin alpha 2; plus strand). Cytogenetic location: 1q43.
Variant type: single nucleotide variant.
Coding change: c.2146A>G on transcript NM_001103.4 (MANE Select); coding-DNA position 2146, A replaced by G.
Protein change: p.Thr716Ala; replaces threonine 716 with alanine.
Molecular consequence: missense variant. On other transcripts: non-coding transcript variant (1).
Genome position (GRCh38, 1-based): chr1:236,755,190, A>G. VCF-style: chr1-236755190-A-G. GRCh37 (hg19) VCF-style: chr1-236918490-A-G.
Other names: c.2146A>G, p.Thr716Ala (NM_001278343.2); short protein forms T716A.
Identifiers: ClinVar variation 4867368 (VCV004867368.1).

ClinVar aggregate classification (germline): Uncertain significance (1 of 4 stars; one submission).

Conditions:
Cardiovascular phenotype. Identifiers: MedGen CN230736.

Submission:

Ambry Genetics
Classification: Uncertain significance for Cardiovascular phenotype. Last evaluated: 2026-03-28. Review status: criteria provided, single submitter. Criteria: Ambry Variant Classification Scheme 2023. Collection method: clinical testing. Allele origin: germline.
Comment: The p.T716A variant (also known as c.2146A>G), located in coding exon 17 of the ACTN2 gene, results from an A to G substitution at nucleotide position 2146. The threonine at codon 716 is replaced by alanine, an amino acid with similar properties. This amino acid position is conserved. In addition, this alteration is predicted to be tolerated by in silico analysis. Based on the available evidence, the clinical significance of this variant remains unclear.